The following is an entry in ClinVar:

NM_002335.4(LRP5):c.4337G>T (p.Gly1446Val)

Gene: LRP5 (LDL receptor related protein 5; plus strand). Cytogenetic location: 11q13.2.
Variant type: single nucleotide variant.
Coding change: c.4337G>T on transcript NM_002335.4 (MANE Select); coding-DNA position 4337, G replaced by T.
Protein change: p.Gly1446Val; replaces glycine 1446 with valine.
Molecular consequence: missense variant.
Genome position (GRCh38, 1-based): chr11:68,438,671, G>T. VCF-style: chr11-68438671-G-T. GRCh37 (hg19) VCF-style: chr11-68206139-G-T.
Other names: c.2594G>T, p.Gly865Val (NM_001291902.2); short protein forms G1446V, G865V.
Identifiers: ClinVar variation 1712596 (VCV001712596.4), dbSNP rs143166423, ClinGen allele CA6150316.

ClinVar aggregate classification (germline): Uncertain significance. Review status: criteria provided, multiple submitters, no conflicts (2 of 4 stars). 2 submissions from 2 submitters: Uncertain significance (2). Last evaluated 2024-03-06.

Conditions:
Bone mineral density quantitative trait locus 1 (BMND1). Identifiers: MedGen C1866079, OMIM 601884.
Worth disease. Also called: Autosomal dominant osteosclerosis, Worth type; ENDOSTEAL HYPEROSTOSIS, AUTOSOMAL DOMINANT; OSTEOSCLEROSIS, AUTOSOMAL DOMINANT. Identifiers: Orphanet 2790, MedGen C0432273, MONDO:0007764, OMIM 144750.
Osteoporosis with pseudoglioma (OPPG). Also called: osteoporosis-pseudoglioma syndrome. Identifiers: Orphanet 2788, MedGen C0432252, MONDO:0009820, OMIM 259770.
Polycystic liver disease 4 with or without kidney cysts. Identifiers: MedGen C4693479, MONDO:0044327, OMIM 617875.
Exudative vitreoretinopathy 4 (EVR4). Identifiers: Orphanet 891, MedGen C1866176, MONDO:0011151, OMIM 601813.
Autosomal dominant osteopetrosis 1 (OPTA1). Also called: OSTEOPETROSIS, AUTOSOMAL DOMINANT, TYPE I. Identifiers: Orphanet 2783, MedGen C1843330, MONDO:0011877, OMIM 607634.

Allele frequency attached by ClinVar (database versions not stated): TOPMed 0.00001; gnomAD 0.00001; ESP Exome Variant Server 0.00008; ExAC 0.00001.
gnomAD v4.1: 3 of 1,612,216 alleles (0.00019%); highest among the groups gnomAD compares: African/African-American, 0.0027%; no homozygotes.

Submissions (2):

Fulgent Genetics
Classification: Uncertain significance for Worth disease; Osteoporosis with pseudoglioma; Exudative vitreoretinopathy 4; Bone mineral density quantitative trait locus 1; Autosomal dominant osteopetrosis 1; Polycystic liver disease 4 with or without kidney cysts. Last evaluated: 2024-03-06. Review status: criteria provided, single submitter. Criteria: ACMG Guidelines, 2015. Collection method: clinical testing. Allele origin: germline.

GeneDx
Classification: Uncertain significance. Last evaluated: 2022-11-30. Review status: criteria provided, single submitter. Criteria: GeneDx Variant Classification Process June 2021. Collection method: clinical testing. Allele origin: germline.
Comment: Not observed at significant frequency in large population cohorts (gnomAD); In silico analysis supports that this missense variant has a deleterious effect on protein structure/function; Has not been previously published as pathogenic or benign to our knowledge